The following is an entry in ClinVar:

NM_002860.4(ALDH18A1):c.1078+4A>G

Gene: ALDH18A1 (aldehyde dehydrogenase 18 family member A1; minus strand). Cytogenetic location: 10q24.1.
Variant type: single nucleotide variant.
Coding change: c.1078+4A>G on transcript NM_002860.4 (MANE Select); 4 bases into the intron after coding-DNA position 1078, A replaced by G.
Molecular consequence: intron variant.
Genome position (GRCh38, 1-based): chr10:95,627,438, T>C on the plus strand (A>G on the coding strand, the complement: ALDH18A1 is on the minus strand). VCF-style: chr10-95627438-T-C. GRCh37 (hg19) VCF-style: chr10-97387195-T-C.
Other names: c.442+4A>G (NM_001323419.2); c.745+4A>G (NM_001323412.2, NM_001323416.2); c.973+4A>G (NM_001323417.2); c.1072+4A>G (NM_001017423.2, NM_001323415.2); c.739+4A>G (NM_001323418.2); c.1078+4A>G (NM_001323413.2, NM_001323414.2).
Identifiers: ClinVar variation 578302 (VCV000578302.10), dbSNP rs1566018543, ClinGen allele CA891843085.

ClinVar aggregate classification (germline): Uncertain significance (1 of 4 stars; one submission).

Conditions:
Autosomal dominant spastic paraplegia type 9. Identifiers: MedGen C1832669, MONDO:0015091.
de Barsy syndrome. Also called: Cutis laxa-corneal clouding-oligophrenia syndrome. Identifiers: Orphanet 2962, MedGen C0268354, MONDO:0017569.
Cutis laxa, autosomal dominant 3 (ADCL3). Identifiers: Orphanet 90348, MedGen C4225268, MONDO:0014706, OMIM 616603.

Allele frequency attached by ClinVar (database versions not stated): gnomAD exomes below 0.00001.
gnomAD v4.1: 1 of 1,614,104 alleles (0.000062%); highest among the groups gnomAD compares: Non-Finnish European, 0.000085%; no homozygotes.

Submission:

Labcorp Genetics (formerly Invitae), Labcorp
Classification: Uncertain significance for Autosomal dominant spastic paraplegia type 9; de Barsy syndrome; Cutis laxa, autosomal dominant 3. Last evaluated: 2022-10-10. Review status: criteria provided, single submitter. Criteria: Invitae Variant Classification Sherloc (09022015). Collection method: clinical testing. Allele origin: germline.
Comment: In summary, the available evidence is currently insufficient to determine the role of this variant in disease. Therefore, it has been classified as a Variant of Uncertain Significance. Variants that disrupt the consensus splice site are a relatively common cause of aberrant splicing (PMID: 17576681, 9536098). Algorithms developed to predict the effect of sequence changes on RNA splicing suggest that this variant may disrupt the consensus splice site. ClinVar contains an entry for this variant (Variation ID: 578302). This variant has not been reported in the literature in individuals affected with ALDH18A1-related conditions. This variant is not present in population databases (gnomAD no frequency). This sequence change falls in intron 9 of the ALDH18A1 gene. It does not directly change the encoded amino acid sequence of the ALDH18A1 protein. It affects a nucleotide within the consensus splice site.

Literature cited by the submitters: PubMed 17576681; PubMed 9536098.